The following is an entry in ClinVar:

ClinVar aggregate classification (germline): Benign/Likely benign. Review status: criteria provided, multiple submitters, no conflicts (2 of 4 stars). 3 submissions from 3 submitters: Benign (1); Likely benign (2). Last evaluated 2026-06-29.

Conditions:
Sessile serrated polyposis cancer syndrome (SSPCS). Identifiers: Orphanet 157798, MedGen C4310714, MONDO:0014919, OMIM 617108.

gnomAD v4.1: 34 of 1,610,172 alleles (0.0021%); highest among the groups gnomAD compares: Admixed American, 0.0017%; no homozygotes.

Submissions (3):

Myriad Genetics, Inc.
Classification: Benign for Sessile serrated polyposis cancer syndrome. Last evaluated: 2026-06-29. Review status: criteria provided, single submitter. Criteria: Myriad Autosomal Dominant, Autosomal Recessive and X-Linked Classification Criteria (2023). Collection method: clinical testing. Allele origin: unknown.
Comment: This variant is considered benign. This variant is a silent/synonymous amino acid change and it is not expected to impact splicing.

Labcorp Genetics (formerly Invitae), Labcorp
Classification: Likely benign. Last evaluated: 2025-05-13. Review status: criteria provided, single submitter. Criteria: Invitae Variant Classification Sherloc (09022015). Collection method: clinical testing. Allele origin: germline.

Center for Genomic Medicine, Rigshospitalet, Copenhagen University Hospital
Classification: Likely benign. Last evaluated: 2025-03-04. Review status: criteria provided, single submitter. Criteria: ACMG Guidelines, 2015. Collection method: clinical testing. Allele origin: germline.
Comment: Classification criteria: BP4+BP7

NM_017763.6(RNF43):c.33C>G (p.Ala11=)

Gene: RNF43 (ring finger protein 43; minus strand). Cytogenetic location: 17q22.
Variant type: single nucleotide variant.
Coding change: c.33C>G on transcript NM_017763.6 (MANE Select); coding-DNA position 33, C replaced by G.
Protein change: p.Ala11=; no amino-acid change (alanine 11 retained).
Molecular consequence: synonymous variant.
Genome position (GRCh38, 1-based): chr17:58,415,545, G>C on the plus strand (C>G on the coding strand, the complement: RNF43 is on the minus strand). VCF-style: chr17-58415545-G-C. GRCh37 (hg19) VCF-style: chr17-56492906-G-C.
Other names: c.33C>G, p.Ala11= (NM_001305544.3).
Identifiers: ClinVar variation 3765097 (VCV003765097.3).